The following is an entry in ClinVar:

ClinVar aggregate classification (germline): Uncertain significance. Review status: criteria provided, multiple submitters, no conflicts (2 of 4 stars). 3 submissions from 3 submitters: Uncertain significance (3). Last evaluated 2025-10-18.

Conditions:
X-linked syndromic intellectual disability. Also called: X-linked mental retardation, syndromic; Intellectual developmental disorder, X-linked syndromic. Identifiers: MedGen CN228426, MONDO:0020119.

Submissions (3):

Labcorp Genetics (formerly Invitae), Labcorp
Classification: Uncertain significance. Last evaluated: 2025-10-18. Review status: criteria provided, single submitter. Criteria: Invitae Variant Classification Sherloc (09022015). Collection method: clinical testing. Allele origin: germline.
Comment: This variant, c.4057_4062dup, results in the insertion of 2 amino acid(s) of the BRWD3 protein (p.Gln1353_Gln1354dup), but otherwise preserves the integrity of the reading frame. This variant is not present in population databases (gnomAD no frequency). This variant has not been reported in the literature in individuals affected with BRWD3-related conditions. ClinVar contains an entry for this variant (Variation ID: 2443366). Experimental studies and prediction algorithms are not available or were not evaluated, and the functional significance of this variant is currently unknown. In summary, the available evidence is currently insufficient to determine the role of this variant in disease. Therefore, it has been classified as a Variant of Uncertain Significance.

MVZ Martinsried, Medicover Genetics
Classification: Uncertain significance for X-linked syndromic intellectual disability. Last evaluated: 2024-12-11. Review status: criteria provided, single submitter. Criteria: ACGS Guidelines, 2020. Collection method: clinical testing. Allele origin: unknown. Affected: yes. Observed: 1 hemizygote.

GeneDx
Classification: Uncertain significance. Last evaluated: 2024-09-27. Review status: criteria provided, single submitter. Criteria: GeneDx Variant Classification Process June 2021. Collection method: clinical testing. Allele origin: germline. Affected: yes.
Comment: In-frame insertion of 2 amino acids in a non-repeat region; Not observed at significant frequency in large population cohorts (gnomAD); Has not been previously published as pathogenic or benign to our knowledge

NM_153252.5(BRWD3):c.4057CAA[4] (p.Gln1354_Asp1355insGlnGln)

Gene: BRWD3 (bromodomain and WD repeat domain containing 3; minus strand). Cytogenetic location: Xq21.1.
Variant type: Microsatellite.
Coding change: c.4057CAA[4] on transcript NM_153252.5 (MANE Select); four copies in a row of the 3-base unit CAA starting at c.4057; the reference has two copies in a row; two copies, 6 bases duplicated.
Protein change: p.Gln1354_Asp1355insGlnGln.
Molecular consequence: inframe insertion.
Genome position (GRCh38, 1-based): chrX:80,685,480-80,685,485, TTGTTG duplicated on the plus strand (CAACAA on the coding strand, the reverse complement: BRWD3 is on the minus strand); duplicating any 6 consecutive bases within chrX:80,685,480-80,685,486 gives the same sequence; the position shown is the placement nearest the transcript's 3' end. VCF-style (leftmost placement, unchanged base first): chrX-80685479-C-CTTGTTG. GRCh37 (hg19) VCF-style: chrX-79940978-C-CTTGTTG.
Identifiers: ClinVar variation 2443366 (VCV002443366.6), dbSNP rs2072508456, ClinGen allele CA2440240926.